The following is an entry in ClinVar:

NM_000304.4(PMP22):c.376C>G (p.Leu126Val)

Gene: PMP22 (peripheral myelin protein 22; minus strand). Cytogenetic location: 17p12.
Variant type: single nucleotide variant.
Coding change: c.376C>G on transcript NM_000304.4 (MANE Select); coding-DNA position 376, C replaced by G.
Protein change: p.Leu126Val; replaces leucine 126 with valine.
Molecular consequence: missense variant. On other transcripts: non-coding transcript variant (2).
Genome position (GRCh38, 1-based): chr17:15,231,024, G>C on the plus strand (C>G on the coding strand, the complement: PMP22 is on the minus strand). VCF-style: chr17-15231024-G-C. GRCh37 (hg19) VCF-style: chr17-15134341-G-C.
Other names: c.376C>G, p.Leu126Val (NM_001281455.2, NM_001281456.2, NM_153321.3 and 1 more transcripts); short protein forms L126V.
Identifiers: ClinVar variation 2828640 (VCV002828640.3), dbSNP rs2508024829, ClinGen allele CA398739693.

ClinVar aggregate classification (germline): Uncertain significance (1 of 4 stars; one submission).

Conditions:
Charcot-Marie-Tooth disease, type I (CMT1). Also called: Charcot-Marie-Tooth disease type 1; Charcot-Marie-Tooth, Type 1. Identifiers: Orphanet 65753, MedGen C0751036, MONDO:0019011.

Allele frequency attached by ClinVar (database versions not stated): gnomAD exomes below 0.00001.
gnomAD v4.1: 1 of 1,614,136 alleles (0.000062%); highest among the groups gnomAD compares: South Asian, 0.0011%; no homozygotes.

Submission:

Labcorp Genetics (formerly Invitae), Labcorp
Classification: Uncertain significance for Charcot-Marie-Tooth disease, type I. Last evaluated: 2023-01-15. Review status: criteria provided, single submitter. Criteria: Invitae Variant Classification Sherloc (09022015). Collection method: clinical testing. Allele origin: germline.
Comment: This sequence change replaces leucine, which is neutral and non-polar, with valine, which is neutral and non-polar, at codon 126 of the PMP22 protein (p.Leu126Val). This variant is not present in population databases (gnomAD no frequency). This variant has not been reported in the literature in individuals affected with PMP22-related conditions. Advanced modeling of protein sequence and biophysical properties (such as structural, functional, and spatial information, amino acid conservation, physicochemical variation, residue mobility, and thermodynamic stability) performed at Invitae indicates that this missense variant is not expected to disrupt PMP22 protein function. In summary, the available evidence is currently insufficient to determine the role of this variant in disease. Therefore, it has been classified as a Variant of Uncertain Significance.